The following is an entry in ClinVar:

NM_003114.5(SPAG1):c.1399A>G (p.Lys467Glu)

Genes: SPAG1 (sperm associated antigen 1; plus strand), LOC130000832 (ATAC-STARR-seq lymphoblastoid silent region 19412; plus strand). Cytogenetic location: 8q22.2.
Variant type: single nucleotide variant.
Coding change: c.1399A>G on transcript NM_003114.5 (MANE Select); coding-DNA position 1399, A replaced by G.
Protein change: p.Lys467Glu; replaces lysine 467 with glutamic acid.
Molecular consequence: missense variant.
Genome position (GRCh38, 1-based): chr8:100,213,392, A>G. VCF-style: chr8-100213392-A-G. GRCh37 (hg19) VCF-style: chr8-101225620-A-G.
Other names: c.1399A>G, p.Lys467Glu (NM_001374321.1, NM_172218.3); short protein forms K467E.
Identifiers: ClinVar variation 2158993 (VCV002158993.2), dbSNP rs113192622, ClinGen allele CA182383047.

ClinVar aggregate classification (germline): Uncertain significance (1 of 4 stars; one submission).

Conditions:
Primary ciliary dyskinesia 28. Also called: CILIARY DYSKINESIA, PRIMARY, 28, WITH OR WITHOUT SITUS INVERSUS. Identifiers: Orphanet 244, MedGen C3809706, MONDO:0014216, OMIM 615505.

Allele frequency attached by ClinVar (database versions not stated): gnomAD exomes below 0.00001; TOPMed below 0.00001.
gnomAD v4.1: 7 of 1,449,748 alleles (0.00048%); highest among the groups gnomAD compares: African/African-American, 0.0059%; no homozygotes.

Submission:

Labcorp Genetics (formerly Invitae), Labcorp
Classification: Uncertain significance for Primary ciliary dyskinesia 28. Last evaluated: 2025-10-29. Review status: criteria provided, single submitter. Criteria: Invitae Variant Classification Sherloc (09022015). Collection method: clinical testing. Allele origin: germline.
Comment: This sequence change replaces lysine, which is basic and polar, with glutamic acid, which is acidic and polar, at codon 467 of the SPAG1 protein (p.Lys467Glu). This variant is not present in population databases (gnomAD no frequency). This variant has not been reported in the literature in individuals affected with SPAG1-related conditions. ClinVar contains an entry for this variant (Variation ID: 2158993). Invitae Evidence Modeling of protein sequence and biophysical properties (such as structural, functional, and spatial information, amino acid conservation, physicochemical variation, residue mobility, and thermodynamic stability) indicates that this missense variant is not expected to disrupt SPAG1 protein function with a negative predictive value of 80%. In summary, the available evidence is currently insufficient to determine the role of this variant in disease. Therefore, it has been classified as a Variant of Uncertain Significance.